The following is an entry in ClinVar:

NM_001844.5(COL2A1):c.4228G>A (p.Ala1410Thr)

Gene: COL2A1 (collagen type II alpha 1 chain; minus strand). Cytogenetic location: 12q13.11.
Variant type: single nucleotide variant.
Coding change: c.4228G>A on transcript NM_001844.5 (MANE Select); coding-DNA position 4228, G replaced by A.
Protein change: p.Ala1410Thr; replaces alanine 1410 with threonine.
Molecular consequence: missense variant.
Genome position (GRCh38, 1-based): chr12:47,974,178, C>T on the plus strand (G>A on the coding strand, the complement: COL2A1 is on the minus strand). VCF-style: chr12-47974178-C-T. GRCh37 (hg19) VCF-style: chr12-48367961-C-T.
Other names: c.4021G>A, p.Ala1341Thr (NM_033150.3); short protein forms A1410T, A1341T.
Identifiers: ClinVar variation 392382 (VCV000392382.2), dbSNP rs1057524467, ClinGen allele CA16606622.
Genomic context (GRCh38, chr12:47,974,178, plus strand): 5'-TGAACCTGCTATTGCCCTCTGCCCGGATCTCCACGTCATTGGAGCCCTGGATGAGCAGGG[C>T]CTTCTTGAGGTTGCCAGCTGCTTCGTCCAGATAGGCAATGCTGTTCTTGCAGTGGTAGGT-3'
Protein context (NP_001835.3, residues 1400-1420): LDEAAGNLKK[Ala1410Thr]LLIQGSNDVE

ClinVar aggregate classification (germline): Uncertain significance (1 of 4 stars; one submission).

Submission:

GeneDx
Classification: Uncertain significance. Last evaluated: 2016-12-27. Review status: criteria provided, single submitter. Criteria: GeneDx Variant Classification (06012015). Collection method: clinical testing. Allele origin: germline. Affected: yes.
Comment: A variant of uncertain significance has been identified in the COL2A1 gene. The A1410T variant has not been published as a pathogenic variant, nor has it been reported as a benign variant to our knowledge. The A1410T variant was not observed in approximately 6500 individuals of European and African American ancestry in the NHLBI Exome Sequencing Project, indicating it is not a common benign variant in these populations. The A1410T variant is a non-conservative amino acid substitution, which is likely to impact secondary protein structure as these residues differ in polarity, charge, size and/or other properties. This substitution occurs at a position that is conserved across species. In silico analysis predicts this variant is damaging to the protein structure/function. A missense variant in the same codon (A1410P) has been reported in the Human Gene Mutation Database with possible association with type II collagenopathy (Stenson et al., 2014). Therefore, based on the currently available information, it is unclear whether this variant is a pathogenic variant or a rare benign variant.